The following is an entry in ClinVar:

NM_017534.6(MYH2):c.4252G>T (p.Ala1418Ser)

Genes: MYH2 (myosin heavy chain 2; minus strand), MYHAS (myosin heavy chain gene cluster antisense RNA; plus strand). Cytogenetic location: 17p13.1.
Variant type: single nucleotide variant.
Coding change: c.4252G>T on transcript NM_017534.6 (MANE Select); coding-DNA position 4252, G replaced by T.
Protein change: p.Ala1418Ser; replaces alanine 1418 with serine.
Molecular consequence: missense variant.
Genome position (GRCh38, 1-based): chr17:10,525,812, C>A on the plus strand (G>T on the coding strand, the complement: MYH2 is on the minus strand). VCF-style: chr17-10525812-C-A. GRCh37 (hg19) VCF-style: chr17-10429129-C-A.
Other names: c.4252G>T, p.Ala1418Ser (NM_001100112.2); short protein forms A1418S.
Identifiers: ClinVar variation 658531 (VCV000658531.8), dbSNP rs752335450, ClinGen allele CA8390682.

ClinVar aggregate classification (germline): Uncertain significance (1 of 4 stars; one submission).

Conditions:
Myopathy, proximal, and ophthalmoplegia (CMYO6). Also called: MYOPATHY WITH CONGENITAL JOINT CONTRACTURES, OPHTHALMOPLEGIA, AND RIMMED VACUOLES; INCLUSION BODY MYOPATHY 3, AUTOSOMAL DOMINANT; CONGENITAL MYOPATHY 6 WITH OPHTHALMOPLEGIA. Identifiers: Orphanet 363677, Orphanet 79091, MedGen C1854106, MONDO:0011577, OMIM 605637.

Allele frequency attached by ClinVar (database versions not stated): gnomAD 0.00001; TOPMed 0.00001; gnomAD exomes 0.00002; ExAC 0.00004.

Submission:

Labcorp Genetics (formerly Invitae), Labcorp
Classification: Uncertain significance for Myopathy, proximal, and ophthalmoplegia. Last evaluated: 2022-06-04. Review status: criteria provided, single submitter. Criteria: Invitae Variant Classification Sherloc (09022015). Collection method: clinical testing. Allele origin: germline.
Comment: This sequence change replaces alanine, which is neutral and non-polar, with serine, which is neutral and polar, at codon 1418 of the MYH2 protein (p.Ala1418Ser). This variant is present in population databases (rs752335450, gnomAD 0.004%). This variant has not been reported in the literature in individuals affected with MYH2-related conditions. ClinVar contains an entry for this variant (Variation ID: 658531). Algorithms developed to predict the effect of missense changes on protein structure and function are either unavailable or do not agree on the potential impact of this missense change (SIFT: "Deleterious"; PolyPhen-2: "Benign"; Align-GVGD: "Class C65"). In summary, the available evidence is currently insufficient to determine the role of this variant in disease. Therefore, it has been classified as a Variant of Uncertain Significance.